The following is an entry in ClinVar:

NM_005236.3(ERCC4):c.*2816A>T

Gene: ERCC4 (ERCC excision repair 4, endonuclease catalytic subunit; plus strand). Cytogenetic location: 16p13.12.
Variant type: single nucleotide variant.
Coding change: c.*2816A>T on transcript NM_005236.3 (MANE Select); 2816 bases downstream of the stop codon, A replaced by T.
Molecular consequence: 3 prime UTR variant.
Genome position (GRCh38, 1-based): chr16:13,951,163, A>T. VCF-style: chr16-13951163-A-T. GRCh37 (hg19) VCF-style: chr16-14045020-A-T.
Identifiers: ClinVar variation 886029 (VCV000886029.4), dbSNP rs146325817, ClinGen allele CA278487688.

ClinVar aggregate classification (germline): Likely benign (1 of 4 stars; one submission).

Conditions:
Xeroderma pigmentosum, group F (XPF). Also called: XERODERMA PIGMENTOSUM, TYPE F; Xeroderma pigmentosum, type 6; XERODERMA PIGMENTOSUM, COMPLEMENTATION GROUP F; XERODERMA PIGMENTOSUM VI; XP, GROUP F; ERCC4-Related Xeroderma Pigmentosum. Identifiers: MedGen C0268140, MONDO:0010215, OMIM 278760.

Allele frequency attached by ClinVar (database versions not stated): gnomAD exomes 0.00309; 1000 Genomes Project 0.00379; 1000 Genomes Project 30x 0.00453; TOPMed 0.00467; gnomAD 0.00527 and 0.00547.
gnomAD v4.1: 888 of 184,292 alleles (0.48%); highest among the groups gnomAD compares: African/African-American, 0.98%; 5 homozygotes.

Submission:

Illumina Laboratory Services, Illumina
Classification: Likely benign for Xeroderma pigmentosum, group F. Last evaluated: 2018-01-13. Review status: criteria provided, single submitter. Criteria: ICSL Variant Classification Criteria 13 December 2019. Collection method: clinical testing. Allele origin: germline.
Comment: This variant was observed in the ICSL laboratory as part of a predisposition screen in an ostensibly healthy population. It had not been previously curated by ICSL or reported in the Human Gene Mutation Database (HGMD: prior to June 1st, 2018), and was therefore a candidate for classification through an automated scoring system. Utilizing variant allele frequency, disease prevalence and penetrance estimates, and inheritance mode, an automated score was calculated to assess if this variant is too frequent to cause the disease. Based on the score and internal cut-off values, a variant classified as likely benign is not then subjected to further curation. The score for this variant resulted in a classification of likely benign for this disease.